The following is an entry in ClinVar:

NM_020759.3(STARD9):c.9995C>G (p.Ser3332Cys)

Gene: STARD9 (StAR related lipid transfer domain containing 9; plus strand). Cytogenetic location: 15q15.2.
Variant type: single nucleotide variant.
Coding change: c.9995C>G on transcript NM_020759.3 (MANE Select); coding-DNA position 9995, C replaced by G.
Protein change: p.Ser3332Cys; replaces serine 3332 with cysteine.
Molecular consequence: missense variant.
Genome position (GRCh38, 1-based): chr15:42,691,573, C>G. VCF-style: chr15-42691573-C-G. GRCh37 (hg19) VCF-style: chr15-42983771-C-G.
Other names: short protein forms S3332C.
Identifiers: ClinVar variation 3898201 (VCV003898201.7).

ClinVar aggregate classification (germline): Likely benign (1 of 4 stars; one submission).

gnomAD v4.1: 889 of 1,537,280 alleles (0.058%); highest among the groups gnomAD compares: Admixed American, 0.68%; 5 homozygotes.

Submission:

CeGaT Center for Human Genetics Tuebingen
Classification: Likely benign. Last evaluated: 2025-04-01. Review status: criteria provided, single submitter. Criteria: CeGaT Center For Human Genetics Tuebingen Variant Classification Criteria Version 2. Collection method: clinical testing. Allele origin: germline. Affected: yes. Observed: 1 variant allele.
Comment: STARD9: BP4, BS1